The following is an entry in ClinVar:

NM_000051.4(ATM):c.7515+1del

Genes: ATM (ATM serine/threonine kinase; plus strand), C11orf65 (chromosome 11 open reading frame 65; minus strand). Cytogenetic location: 11q22.3.
Variant type: Deletion.
Coding change: c.7515+1del on transcript NM_000051.4 (MANE Select); the canonical splice donor site of the intron after coding-DNA position 7515, one base deleted (G; older notation c.7515+1delG).
Molecular consequence: splice donor variant. On other transcripts: intron variant (2).
Genome position (GRCh38, 1-based): chr11:108,330,422, G deleted; the last of 2 consecutive G bases (chr11:108,330,421-108,330,422); deleting either gives the same sequence. VCF-style (leftmost placement, unchanged base first): chr11-108330420-AG-A. GRCh37 (hg19) VCF-style: chr11-108201147-AG-A.
Other names: c.7515+1del (NM_001351834.2); c.641-21350del (NM_001330368.2); c.*38+4799del (NM_001351110.2).
Identifiers: ClinVar variation 1456326 (VCV001456326.11), dbSNP rs2136465036, ClinGen allele CA476677004.

ClinVar aggregate classification (germline): Pathogenic. Review status: criteria provided, multiple submitters, no conflicts (2 of 4 stars). 2 submissions from 2 submitters: Pathogenic (2). Last evaluated 2024-11-20.

Conditions:
Hereditary cancer-predisposing syndrome. Also called: Tumor predisposition; Neoplastic Syndromes, Hereditary; Hereditary Cancer Syndrome; Hereditary neoplastic syndrome. Identifiers: Orphanet 140162, MedGen C0027672, MeSH D009386, MONDO:0015356.
Ataxia-telangiectasia syndrome (AT). Also called: Ataxia-telangiectasia; LOUIS-BAR SYNDROME; Ataxia-telangiectasia, complementation group D; AT, COMPLEMENTATION GROUP C; ATAXIA-TELANGIECTASIA, COMPLEMENTATION GROUP A; ATAXIA-TELANGIECTASIA, FRESNO VARIANT. Identifiers: Orphanet 100, MedGen C0004135, MONDO:0008840, OMIM 208900.

Submissions (2):

Ambry Genetics
Classification: Pathogenic for Hereditary cancer-predisposing syndrome. Last evaluated: 2024-11-20. Review status: criteria provided, single submitter. Criteria: Ambry Variant Classification Scheme 2023. Collection method: clinical testing. Allele origin: germline.
Comment: The c.7515delG pathogenic mutation, located in coding exon 49 of the ATM gene, results from a deletion of one nucleotide at nucleotide position 7515, causing a translational frameshift with a predicted alternate stop codon (p.R2506Efs*4). This variant is considered to be rare based on population cohorts in the Genome Aggregation Database (gnomAD). This alteration is expected to result in loss of function by premature protein truncation or nonsense-mediated mRNA decay. As such, this alteration is interpreted as a disease-causing mutation.

Labcorp Genetics (formerly Invitae), Labcorp
Classification: Pathogenic for Ataxia-telangiectasia syndrome. Last evaluated: 2021-06-15. Review status: criteria provided, single submitter. Criteria: Invitae Variant Classification Sherloc (09022015). Collection method: clinical testing. Allele origin: germline.
Comment: This sequence change creates a premature translational stop signal (p.Arg2506Glufs*4) in the ATM gene. It is expected to result in an absent or disrupted protein product. Loss-of-function variants in ATM are known to be pathogenic (PMID: 23807571, 25614872). This variant is not present in population databases (ExAC no frequency). For these reasons, this variant has been classified as Pathogenic. This variant has not been reported in the literature in individuals with ATM-related conditions. This variant is also known as c.7515+1del.

Literature cited by the submitters: PubMed 23807571 (cited by Labcorp Genetics (formerly Invitae), Labcorp); PubMed 25614872 (cited by Labcorp Genetics (formerly Invitae), Labcorp).